The following is an entry in ClinVar:

ClinVar aggregate classification (germline): Uncertain significance (1 of 4 stars; one submission).

Submission:

Labcorp Genetics (formerly Invitae), Labcorp
Classification: Uncertain significance. Last evaluated: 2022-04-13. Review status: criteria provided, single submitter. Criteria: Invitae Variant Classification Sherloc (09022015). Collection method: clinical testing. Allele origin: germline.
Comment: This sequence change replaces glutamic acid, which is acidic and polar, with alanine, which is neutral and non-polar, at codon 5110 of the HMCN1 protein (p.Glu5110Ala). In summary, the available evidence is currently insufficient to determine the role of this variant in disease. Therefore, it has been classified as a Variant of Uncertain Significance. Algorithms developed to predict the effect of missense changes on protein structure and function are either unavailable or do not agree on the potential impact of this missense change (SIFT: "Deleterious"; PolyPhen-2: "Benign"; Align-GVGD: "Class C0"). This variant has not been reported in the literature in individuals affected with HMCN1-related conditions. This variant is not present in population databases (gnomAD no frequency).

NM_031935.3(HMCN1):c.15329A>C (p.Glu5110Ala)

Gene: HMCN1 (hemicentin 1; plus strand). Cytogenetic location: 1q31.1.
Variant type: single nucleotide variant.
Coding change: c.15329A>C on transcript NM_031935.3 (MANE Select); coding-DNA position 15329, A replaced by C.
Protein change: p.Glu5110Ala; replaces glutamic acid 5110 with alanine.
Molecular consequence: missense variant.
Genome position (GRCh38, 1-based): chr1:186,166,193, A>C. VCF-style: chr1-186166193-A-C. GRCh37 (hg19) VCF-style: chr1-186135325-A-C.
Other names: short protein forms E5110A.
Identifiers: ClinVar variation 2111848 (VCV002111848.4), dbSNP rs1449567869, ClinGen allele CA343928582.